The following is an entry in ClinVar:

NM_003482.4(KMT2D):c.206del (p.Cys69fs)

Gene: KMT2D (lysine methyltransferase 2D; minus strand). Cytogenetic location: 12q13.12.
Variant type: Deletion.
Coding change: c.206del on transcript NM_003482.4 (MANE Select); coding-DNA position 206, one base deleted (G; older notation c.206delG).
Protein change: p.Cys69fs; shifts the reading frame from cysteine 69.
Molecular consequence: frameshift variant.
Genome position (GRCh38, 1-based): chr12:49,054,722, C deleted on the plus strand (G on the coding strand, the reverse complement: KMT2D is on the minus strand). VCF-style (leftmost placement, unchanged base first): chr12-49054721-AC-A. GRCh37 (hg19) VCF-style: chr12-49448504-AC-A.
Other names: short protein forms C69fs.
Identifiers: ClinVar variation 1074736 (VCV001074736.7), dbSNP rs2120713201, ClinGen allele CA2499221724.
Genomic context (GRCh38, chr12:49,054,721, plus strand): 5'-AAATGGCAACTCAAAGCGCCGTAGCTCCCGCTGCCCGTGTAGACTGGGCTCCCCGCAGTT[AC>A]AGAGAGCACAACGCCGCACCGGACCCCCACTGTGGACACACAAGCATCAGTACCACGCCA-3'

ClinVar aggregate classification (germline): Pathogenic (1 of 4 stars; one submission).

Conditions:
Kabuki syndrome. Also called: NIIKAWA-KUROKI SYNDROME; Kabuki make-up syndrome. Identifiers: Orphanet 2322, MedGen C0796004, MONDO:0016512.

Submission:

Labcorp Genetics (formerly Invitae), Labcorp
Classification: Pathogenic for Kabuki syndrome. Last evaluated: 2020-01-26. Review status: criteria provided, single submitter. Criteria: Invitae Variant Classification Sherloc (09022015). Collection method: clinical testing. Allele origin: germline.
Comment: For these reasons, this variant has been classified as Pathogenic. Loss-of-function variants in KMT2D are known to be pathogenic (PMID: 22126750). This variant has not been reported in the literature in individuals with KMT2D-related conditions. This variant is not present in population databases (ExAC no frequency). This sequence change creates a premature translational stop signal (p.Cys69Leufs*61) in the KMT2D gene. It is expected to result in an absent or disrupted protein product.

Literature cited by the submitters: PubMed 22126750.